The following is an entry in ClinVar:

ClinVar aggregate classification (germline): Uncertain significance (0 of 4 stars; one submission).

gnomAD v4.1: 1 of 1,571,648 alleles (0.000064%); no homozygotes.

Submission:

Department of Pathology and Laboratory Medicine, Sinai Health System
Classification: Uncertain significance. Review status: no assertion criteria provided. Collection method: clinical testing. Allele origin: unknown. Affected: yes. Study: The Canadian Open Genetics Repository (COGR).
Comment: The MITF p.Met89Arg variant was not identified in the literature nor was it identified in dbSNP, ClinVar, Cosmic, LOVD 3.0 or in the following control databases: the 1000 Genomes Project, the NHLBI GO Exome Sequencing Project, or the Genome Aggregation Database (March 6, 2019, v2.1.1). The p.Met89 residue is not conserved in mammals however computational analyses (PolyPhen-2, SIFT, AlignGVGD, BLOSUM, MutationTaster) provide inconsistent predictions regarding the impact to the protein. The variant occurs outside of the splicing consensus sequence and 2 of 4 in silico or computational prediction software programs (SpliceSiteFinder, MaxEntScan, NNSPLICE, GeneSplicer) predict a greater than 10% difference in splicing; this is not very predictive of pathogenicity. In summary, based on the above information the clinical significance of this variant cannot be determined with certainty at this time. This variant is classified as a variant of uncertain significance.

NM_001354604.2(MITF):c.582+307T>G

Gene: MITF (melanocyte inducing transcription factor; plus strand). Cytogenetic location: 3p13.
Variant type: single nucleotide variant.
Coding change: c.582+307T>G on transcript NM_001354604.2 (MANE Select); 307 bases into the intron after coding-DNA position 582, T replaced by G.
Molecular consequence: intron variant. On other transcripts: missense variant (1).
Genome position (GRCh38, 1-based): chr3:69,938,356, T>G. VCF-style: chr3-69938356-T-G. GRCh37 (hg19) VCF-style: chr3-69987507-T-G.
Other names: c.266T>G, p.Met89Arg (NM_001184968.2); c.531+307T>G (NM_001354607.2); c.426+307T>G (NM_001354608.2, NM_001184967.2); c.582+307T>G (NM_198159.3); c.579+307T>G (NM_001354605.2, NM_001354606.2, NM_006722.3); c.534+307T>G (NM_198177.3); c.261+307T>G (NM_000248.4, NM_198158.3); c.93+475T>G (NM_198178.3); short protein forms M89R.
Identifiers: ClinVar variation 1049671 (VCV001049671.1), dbSNP rs1280700007, ClinGen allele CA353560781.